The following is an entry in ClinVar:

NM_004928.3(CFAP410):c.412G>A (p.Gly138Arg)

Gene: CFAP410 (cilia and flagella associated protein 410; minus strand). Cytogenetic location: 21q22.3.
Variant type: single nucleotide variant.
Coding change: c.412G>A on transcript NM_004928.3 (MANE Select); coding-DNA position 412, G replaced by A.
Protein change: p.Gly138Arg; replaces glycine 138 with arginine.
Molecular consequence: missense variant.
Genome position (GRCh38, 1-based): chr21:44,331,976, C>T on the plus strand (G>A on the coding strand, the complement: CFAP410 is on the minus strand). VCF-style: chr21-44331976-C-T. GRCh37 (hg19) VCF-style: chr21-45751859-C-T.
Other names: c.412G>A, p.Gly138Arg (NM_001271440.2, NM_001271441.2); c.289G>A, p.Gly97Arg (NM_001271442.1); short protein forms G138R, G97R.
Identifiers: ClinVar variation 1367299 (VCV001367299.6), dbSNP rs752031315, ClinGen allele CA10053680.
Genomic context (GRCh38, chr21:44,331,976, plus strand): 5'-ATAGCTTGGGGCCGCCGTGGCCTGTGCCCTCTCTCTCTGGGGCCGCAGTGATCTCCTCTC[C>T]CTCACTCAGTGCACGGGACAGCTCCTCCTCCGTCACAGCTTTGGGATGAAAGACAGAAGA-3'
Protein context (NP_004919.1, residues 128-148): EEELSRALSE[Gly138Arg]EEITAAPERE

ClinVar aggregate classification (germline): Uncertain significance (1 of 4 stars; one submission).

Allele frequency attached by ClinVar (database versions not stated): gnomAD exomes below 0.00001; ExAC 0.00001.
gnomAD v4.1: 2 of 1,613,054 alleles (0.00012%); highest among the groups gnomAD compares: South Asian, 0.0011%; no homozygotes.

Submission:

Labcorp Genetics (formerly Invitae), Labcorp
Classification: Uncertain significance. Last evaluated: 2021-09-10. Review status: criteria provided, single submitter. Criteria: Invitae Variant Classification Sherloc (09022015). Collection method: clinical testing. Allele origin: germline.
Comment: In summary, the available evidence is currently insufficient to determine the role of this variant in disease. Therefore, it has been classified as a Variant of Uncertain Significance. This sequence change replaces glycine with arginine at codon 138 of the CFAP410 protein (p.Gly138Arg). The glycine residue is highly conserved and there is a moderate physicochemical difference between glycine and arginine. This variant is present in population databases (rs752031315, ExAC 0.006%). This variant has not been reported in the literature in individuals affected with CFAP410-related conditions. Algorithms developed to predict the effect of missense changes on protein structure and function are either unavailable or do not agree on the potential impact of this missense change (SIFT: "Deleterious"; PolyPhen-2: "Probably Damaging"; Align-GVGD: "Class C15").